The following is an entry in ClinVar:

ClinVar aggregate classification (germline): Uncertain significance (1 of 4 stars; one submission).

Submission:

Labcorp Genetics (formerly Invitae), Labcorp
Classification: Uncertain significance. Last evaluated: 2025-12-20. Review status: criteria provided, single submitter. Criteria: Invitae Variant Classification Sherloc (09022015). Collection method: clinical testing. Allele origin: germline.
Comment: This variant, c.103_111dup, results in the insertion of 3 amino acid(s) of the NLGN2 protein (p.Ser35_Gly37dup), but otherwise preserves the integrity of the reading frame. This variant is present in population databases (rs762590868, gnomAD 0.04%). This variant has not been reported in the literature in individuals affected with NLGN2-related conditions. ClinVar contains an entry for this variant (Variation ID: 1521679). Experimental studies and prediction algorithms are not available or were not evaluated, and the functional significance of this variant is currently unknown. In summary, the available evidence is currently insufficient to determine the role of this variant in disease. Therefore, it has been classified as a Variant of Uncertain Significance.

NM_020795.4(NLGN2):c.103_111dup (p.Ser35_Gly37dup)

Gene: NLGN2 (neuroligin 2; plus strand). Cytogenetic location: 17p13.1.
Variant type: Duplication.
Coding change: c.103_111dup on transcript NM_020795.4 (MANE Select); coding-DNA positions 103 to 111, 9 bases duplicated (AGCCTCGGC; older notation c.103_111dupAGCCTCGGC).
Protein change: p.Ser35_Gly37dup.
Molecular consequence: inframe insertion.
Genome position (GRCh38, 1-based): chr17:7,408,358-7,408,366, AGCCTCGGC duplicated; duplicating any 9 consecutive bases within chr17:7,408,350-7,408,366 gives the same sequence; the c. name uses the placement nearest the transcript's 3' end. VCF-style (leftmost placement, unchanged base first): chr17-7408349-G-GGCCTCGGCA. GRCh37 (hg19) VCF-style: chr17-7311668-G-GGCCTCGGCA.
Identifiers: ClinVar variation 1521679 (VCV001521679.5), dbSNP rs762590868, ClinGen allele CA8345789.